The following is an entry in ClinVar:

NM_000359.3(TGM1):c.1186C>T (p.Arg396Cys)

Gene: TGM1 (transglutaminase 1; minus strand). Cytogenetic location: 14q12.
Variant type: single nucleotide variant.
Coding change: c.1186C>T on transcript NM_000359.3 (MANE Select); coding-DNA position 1186, C replaced by T.
Protein change: p.Arg396Cys; replaces arginine 396 with cysteine.
Molecular consequence: missense variant.
Genome position (GRCh38, 1-based): chr14:24,258,647, G>A on the plus strand (C>T on the coding strand, the complement: TGM1 is on the minus strand). VCF-style: chr14-24258647-G-A. GRCh37 (hg19) VCF-style: chr14-24727853-G-A.
Other names: c.[1186C>T] (NM_000359.2); short protein forms R396C.
Identifiers: ClinVar variation 633787 (VCV000633787.21), dbSNP rs543521135, ClinGen allele CA7131152.

ClinVar aggregate classification (germline): Pathogenic/Likely pathogenic. Review status: criteria provided, multiple submitters, no conflicts (2 of 4 stars). 8 submissions from 8 submitters: Pathogenic (2); Likely pathogenic (6). Last evaluated 2025-12-24.

Conditions:
Lamellar ichthyosis. Identifiers: Orphanet 313, MedGen C5848247, MONDO:0017778.
Autosomal recessive congenital ichthyosis 1 (LI1). Also called: ICHTHYOSIS CONGENITA; ICHTHYOSIS CONGENITA II; LAMELLAR EXFOLIATION OF NEWBORN; ICHTHYOSIS, CONGENITAL, AUTOSOMAL RECESSIVE 1, WITH BATHING SUIT DISTRIBUTION; ICHTHYOSIS, CONGENITAL, AUTOSOMAL RECESSIVE 1, WITH OR WITHOUT BATHING SUIT DISTRIBUTION; COLLODION FETUS. Identifiers: MedGen C4551630, MONDO:0009441, OMIM 242300.

Allele frequency attached by ClinVar (database versions not stated): TOPMed below 0.00001; gnomAD 0.00001; gnomAD exomes 0.00001; ExAC 0.00002; 1000 Genomes Project 0.00020; 1000 Genomes Project 30x 0.00031.
gnomAD v4.1: 13 of 1,614,222 alleles (0.00081%); highest among the groups gnomAD compares: South Asian, 0.0055%; no homozygotes.

Submissions (8):

Natera, Inc.
Classification: Pathogenic for Autosomal recessive congenital ichthyosis type 1. Last evaluated: 2025-12-24. Review status: criteria provided, single submitter. Criteria: Natera Variant Classification Schema (03/2026). Collection method: clinical testing. Allele origin: germline.
Comment: The c.1186C>T variant in TGM1 is a missense variant predicted to cause substitution of arginine to cysteine at amino acid 396. This variant is rare in the general population with a frequency below the threshold expected for the associated phenotype(s). This variant has been observed in one or more individuals affected with the associated recessive disease, as either homozygous or compound heterozygous with a second variant (PMID: 30578701, 39501396). A different variant at the same position has been determined to be Pathogenic or Likely Pathogenic. Computational prediction algorithms indicate this variant is likely to affect gene or protein function. Given the available evidence, this variant is classified as Pathogenic.

Fulgent Genetics
Classification: Likely pathogenic for Autosomal recessive congenital ichthyosis 1. Last evaluated: 2024-03-08. Review status: criteria provided, single submitter. Criteria: ACMG Guidelines, 2015. Collection method: clinical testing. Allele origin: germline.

Women's Health and Genetics/Laboratory Corporation of America, LabCorp
Classification: Likely pathogenic for Lamellar ichthyosis. Last evaluated: 2024-03-08. Review status: criteria provided, single submitter. Criteria: LabCorp Variant Classification Summary - May 2015. Collection method: clinical testing. Allele origin: germline.
Comment: Variant summary: TGM1 c.1186C>T (p.Arg396Cys) results in a non-conservative amino acid change located in the Transglutaminase-like domain (IPR002931) of the encoded protein sequence. Five of five in-silico tools predict a damaging effect of the variant on protein function. A recent study using structural modeling, molecular docking and molecular dynamics approaches concluded that missense variants in the Transglut_core domain of TGM1 are deleterious to the stability and structural changes of the TGM1 protein (Nasser_2020). The variant allele was found at a frequency of 8e-06 in 251310 control chromosomes. c.1186C>T has been reported in the literature as a homozygous genotype in at-least one individual from a consanguineous union affected with Lamellar Ichthyosis (example, Youssefian_2019). These data indicate that the variant may be associated with disease. To our knowledge, no experimental evidence demonstrating an impact on protein function has been reported. The following publications have been ascertained in the context of this evaluation (PMID: 32597326, 30578701). ClinVar contains an entry for this variant (Variation ID: 633787). Based on the evidence outlined above, the variant was classified as likely pathogenic.

Labcorp Genetics (formerly Invitae), Labcorp
Classification: Likely pathogenic. Last evaluated: 2024-02-02. Review status: criteria provided, single submitter. Criteria: Invitae Variant Classification Sherloc (09022015). Collection method: clinical testing. Allele origin: germline.
Comment: This sequence change replaces arginine, which is basic and polar, with cysteine, which is neutral and slightly polar, at codon 396 of the TGM1 protein (p.Arg396Cys). This variant is present in population databases (rs543521135, gnomAD 0.006%). This missense change has been observed in individual(s) with lamellar ichthyosis (PMID: 30578701). ClinVar contains an entry for this variant (Variation ID: 633787). Advanced modeling of protein sequence and biophysical properties (such as structural, functional, and spatial information, amino acid conservation, physicochemical variation, residue mobility, and thermodynamic stability) performed at Invitae indicates that this missense variant is expected to disrupt TGM1 protein function with a positive predictive value of 95%. This variant disrupts the p.Arg396 amino acid residue in TGM1. Other variant(s) that disrupt this residue have been determined to be pathogenic (PMID: 9326318, 25766764, 27025581; Invitae). This suggests that this residue is clinically significant, and that variants that disrupt this residue are likely to be disease-causing. In summary, the currently available evidence indicates that the variant is pathogenic, but additional data are needed to prove that conclusively. Therefore, this variant has been classified as Likely Pathogenic.

GeneDx
Classification: Pathogenic. Last evaluated: 2020-06-10. Review status: criteria provided, single submitter. Criteria: GeneDx Variant Classification Process June 2021. Collection method: clinical testing. Allele origin: germline. Affected: yes.
Comment: Not observed at a significant frequency in large population cohorts (Lek et al., 2016); In silico analysis supports that this missense variant has a deleterious effect on protein structure/function; This variant is associated with the following publications: (PMID: 30578701)

Uitto Lab, Thomas Jefferson University
Classification: Likely pathogenic for Congenita IIs, Ichthyosis. Last evaluated: 2018-06-08. Review status: criteria provided, single submitter. Criteria: ACMG Guidelines, 2015. Collection method: clinical testing. Allele origin: germline. Affected: yes. Study: Rare heritable connective tissue and skin disorders in Iranian cohort.

Genome-Nilou Lab
Classification: Likely pathogenic for Autosomal recessive congenital ichthyosis 1. Review status: criteria provided, single submitter. Criteria: ACMG Guidelines, 2015. Collection method: clinical testing. Allele origin: germline.

Neuberg Centre For Genomic Medicine, NCGM
Classification: Likely pathogenic for Autosomal recessive congenital ichthyosis 1. Review status: criteria provided, single submitter. Criteria: ACMG Guidelines, 2015. Collection method: clinical testing. Allele origin: germline. Affected: yes.
Comment: The missense variant p.R396C in TGM1 (NM_000359.3) has been previously submitted to ClinVar as Pathogenic, however no details are available for independent assessment. It has been reported in individuals with icthyosis (Nasser KK et al). Other missense mutations affecting the same amino acid have been reported previously (R396S, R396L). The p.R396C variant is observed in 2/30,616 (0.0065%) alleles from individuals of South Asian background in gnomAD Exomes and in 1/978 (0.1022%) alleles from individuals of South Asian background in 1000 Genomes. The p.R396C missense variant is predicted to be damaging by both SIFT and PolyPhen2.The arginine residue at codon 396 of TGM1 is conserved in all mammalian species. The nucleotide c.1186 in TGM1 is predicted conserved by GERP++ and PhyloP across 100 vertebrates. For these reasons, this variant has been classified as Likely Pathogenic.

Literature cited by the submitters: PubMed 30578701 (cited by 3 submitters); PubMed 39501396 (cited by Natera, Inc.); PubMed 32597326 (cited by Women's Health and Genetics/Laboratory Corporation of America, LabCorp); PubMed 9326318 (cited by Labcorp Genetics (formerly Invitae), Labcorp); PubMed 25766764 (cited by Labcorp Genetics (formerly Invitae), Labcorp); PubMed 27025581 (cited by Labcorp Genetics (formerly Invitae), Labcorp).